The following is an entry in ClinVar:

ClinVar aggregate classification (germline): Benign. Review status: criteria provided, multiple submitters, no conflicts (2 of 4 stars). 2 submissions from 2 submitters: Benign (2). Last evaluated 2018-01-13.

Conditions:
Acyl-CoA oxidase deficiency. Also called: STRAIGHT-CHAIN ACYL-CoA OXIDASE DEFICIENCY; Pseudoneonatal adrenoleukodystrophy; Peroxisomal acyl-CoA oxidase deficiency. Identifiers: Orphanet 2971, MedGen C1849678, MONDO:0009919, OMIM 264470. Disease mechanism: loss of function.

Allele frequency attached by ClinVar (database versions not stated): gnomAD 0.03143 and 0.03353; 1000 Genomes Project 0.03494; TOPMed 0.03615; 1000 Genomes Project 30x 0.03732.

Submissions (2):

Illumina Laboratory Services, Illumina
Classification: Benign for Acyl-CoA oxidase deficiency. Last evaluated: 2018-01-13. Review status: criteria provided, single submitter. Criteria: ICSL Variant Classification Criteria 13 December 2019. Collection method: clinical testing. Allele origin: germline.
Comment: This variant was observed in the ICSL laboratory as part of a predisposition screen in an ostensibly healthy population. It had not been previously curated by ICSL or reported in the Human Gene Mutation Database (HGMD: prior to June 1st, 2018), and was therefore a candidate for classification through an automated scoring system. Utilizing variant allele frequency, disease prevalence and penetrance estimates, and inheritance mode, an automated score was calculated to assess if this variant is too frequent to cause the disease. Based on the score and internal cut-off values, a variant classified as benign is not then subjected to further curation. The score for this variant resulted in a classification of benign for this disease.

Breakthrough Genomics
Classification: Benign. Review status: criteria provided, single submitter. Criteria: ACMG Guidelines, 2015. Collection method: not provided. Allele origin: germline. Inheritance: Autosomal recessive inheritance. Affected: yes.

NM_004035.7(ACOX1):c.*5124A>G

Gene: ACOX1 (acyl-CoA oxidase 1; minus strand). Cytogenetic location: 17q25.1.
Variant type: single nucleotide variant.
Coding change: c.*5124A>G on transcript NM_004035.7 (MANE Select); 5124 bases downstream of the stop codon, A replaced by G.
Molecular consequence: 3 prime UTR variant.
Genome position (GRCh38, 1-based): chr17:75,941,624, T>C on the plus strand (A>G on the coding strand, the complement: ACOX1 is on the minus strand). VCF-style: chr17-75941624-T-C. GRCh37 (hg19) VCF-style: chr17-73937705-T-C.
Other names: c.*5124A>G (NM_001185039.2, NM_007292.6).
Identifiers: ClinVar variation 325294 (VCV000325294.6), dbSNP rs73355712, ClinGen allele CA10640614.